The following is an entry in ClinVar:

ClinVar aggregate classification (germline): Uncertain significance (1 of 4 stars; one submission).

Conditions:
Spinocerebellar ataxia type 6 (SCA6). Identifiers: Orphanet 98758, MedGen C0752124, MONDO:0008457, OMIM 183086.
Migraine, familial hemiplegic, 1. Also called: MIGRAINE, FAMILIAL HEMIPLEGIC 1, WITH PROGRESSIVE CEREBELLAR ATAXIA. Identifiers: Orphanet 569, MedGen C1832884, MONDO:0020756, OMIM 141500, MONDO:0007714.
Episodic ataxia type 2 (EA2). Also called: ATAXIA, EPISODIC, WITH NYSTAGMUS; ATAXIA, FAMILIAL PAROXYSMAL; CEREBELLAR ATAXIA, PAROXYSMAL, ACETAZOLAMIDE-RESPONSIVE; CEREBELLOPATHY, HEREDITARY PAROXYSMAL; ACETAZOLAMIDE-RESPONSIVE HEREDITARY PAROXYSMAL CEREBELLAR ATAXIA; EPISODIC ATAXIA, NYSTAGMUS-ASSOCIATED. Identifiers: Orphanet 97, MedGen C1720416, MONDO:0007163, OMIM 108500.
Developmental and epileptic encephalopathy, 42 (DEE42A). Also called: DEVELOPMENTAL AND EPILEPTIC ENCEPHALOPATHY 42A; EPILEPTIC ENCEPHALOPATHY, EARLY INFANTILE, 42A; Epileptic encephalopathy, early infantile, 42. Identifiers: MedGen C4310716, MONDO:0014917, OMIM 617106.

Submission:

Juno Genomics, Hangzhou Juno Genomics, Inc
Classification: Uncertain significance for Spinocerebellar ataxia type 6; Developmental and epileptic encephalopathy, 42; Episodic ataxia type 2; Migraine, familial hemiplegic, 1. Review status: criteria provided, single submitter. Criteria: ACMG Guidelines, 2015. Collection method: clinical testing. Allele origin: germline.
Comment: Absent from controls (or at extremely low frequency if recessive) in Genome Aggregation Database.;Multiple lines of computational evidence support a deleterious effect on the gene or gene product.

NM_001127222.2(CACNA1A):c.4250+14T>G

Genes: CACNA1A (calcium voltage-gated channel subunit alpha1 A; minus strand), LOC126862864 (MED14-independent group 3 enhancer GRCh37_chr19:13371552-13372751; plus strand). Cytogenetic location: 19p13.13.
Variant type: single nucleotide variant.
Coding change: c.4250+14T>G on transcript NM_001127222.2 (MANE Select); 14 bases into the intron after coding-DNA position 4250, T replaced by G.
Molecular consequence: intron variant.
Genome position (GRCh38, 1-based): chr19:13,261,436, A>C on the plus strand (T>G on the coding strand, the complement: CACNA1A is on the minus strand). VCF-style: chr19-13261436-A-C. GRCh37 (hg19) VCF-style: chr19-13372250-A-C.
Other names: c.4253+14T>G (NM_001127221.2, NM_001174080.2); c.4262+14T>G (NM_000068.4, NM_023035.3).
Identifiers: ClinVar variation 5005935 (VCV005005935.2).